The following is an entry in ClinVar:

NM_053025.4(MYLK):c.1132C>A (p.Arg378Ser)

Gene: MYLK (myosin light chain kinase; minus strand). Cytogenetic location: 3q21.1.
Variant type: single nucleotide variant.
Coding change: c.1132C>A on transcript NM_053025.4 (MANE Select); coding-DNA position 1132, C replaced by A.
Protein change: p.Arg378Ser; replaces arginine 378 with serine.
Molecular consequence: missense variant.
Genome position (GRCh38, 1-based): chr3:123,733,864, G>T on the plus strand (C>A on the coding strand, the complement: MYLK is on the minus strand). VCF-style: chr3-123733864-G-T. GRCh37 (hg19) VCF-style: chr3-123452711-G-T.
Other names: c.604C>A, p.Arg202Ser (NM_001321309.2); c.1132C>A, p.Arg378Ser (NM_053026.4, NM_053027.4, NM_053028.4); c.1132C>A (NM_053025.3); short protein forms R202S, R378S.
Identifiers: ClinVar variation 3385063 (VCV003385063.2).

ClinVar aggregate classification (germline): Uncertain significance. Review status: criteria provided, multiple submitters, no conflicts (2 of 4 stars). 2 submissions from 2 submitters: Uncertain significance (2). Last evaluated 2025-05-08.

Conditions:
Familial thoracic aortic aneurysm and aortic dissection (TAAD). Also called: Thoracic aortic aneurysms and dissections. Identifiers: Orphanet 91387, MedGen C4707243, MONDO:0019625.

Submissions (2):

Ambry Genetics
Classification: Uncertain significance for Familial thoracic aortic aneurysm and aortic dissection. Last evaluated: 2025-05-08. Review status: criteria provided, single submitter. Criteria: Ambry Variant Classification Scheme 2023. Collection method: clinical testing. Allele origin: germline.
Comment: The p.R378S variant (also known as c.1132C>A), located in coding exon 7 of the MYLK gene, results from a C to A substitution at nucleotide position 1132. The arginine at codon 378 is replaced by serine, an amino acid with dissimilar properties. This amino acid position is conserved. In addition, this alteration is predicted to be tolerated by in silico analysis. Based on the available evidence, the clinical significance of this variant remains unclear.

Women's Health and Genetics/Laboratory Corporation of America, LabCorp
Classification: Uncertain significance. Last evaluated: 2024-10-28. Review status: criteria provided, single submitter. Criteria: LabCorp Variant Classification Summary - May 2015. Collection method: clinical testing. Allele origin: germline.
Comment: Variant summary: MYLK c.1132C>A (p.Arg378Ser) results in a non-conservative amino acid change in the encoded protein sequence. Four of five in-silico tools predict a benign effect of the variant on protein function. The variant was absent in 250560 control chromosomes. The available data on variant occurrences in the general population are insufficient to allow any conclusion about variant significance. To our knowledge, no occurrence of c.1132C>A in individuals affected with Aortopathy and no experimental evidence demonstrating its impact on protein function have been reported. No submitters have cited clinical-significance assessments for this variant to ClinVar. Based on the evidence outlined above, the variant was classified as uncertain significance.